The following is an entry in ClinVar:

NM_001244008.2(KIF1A):c.4639G>C (p.Glu1547Gln)

Gene: KIF1A (kinesin family member 1A; minus strand). Cytogenetic location: 2q37.3.
Variant type: single nucleotide variant.
Coding change: c.4639G>C on transcript NM_001244008.2 (MANE Select); coding-DNA position 4639, G replaced by C.
Protein change: p.Glu1547Gln; replaces glutamic acid 1547 with glutamine.
Molecular consequence: missense variant.
Genome position (GRCh38, 1-based): chr2:240,722,482, C>G on the plus strand (G>C on the coding strand, the complement: KIF1A is on the minus strand). VCF-style: chr2-240722482-C-G. GRCh37 (hg19) VCF-style: chr2-241661899-C-G.
Other names: p.Glu1446Gln; c.4336G>C (NM_004321.7); c.4363G>C, p.Glu1455Gln (NM_001320705.2, NM_001379649.1); c.4390G>C, p.Glu1464Gln (NM_001330289.2); c.4438G>C, p.Glu1480Gln (NM_001330290.2, NM_001379648.1); c.4714G>C, p.Glu1572Gln (NM_001379631.1); c.4615G>C, p.Glu1539Gln (NM_001379632.1); c.4612G>C, p.Glu1538Gln (NM_001379633.1, NM_001379645.1); and 9 more; short protein forms E1446Q, E1464Q, E1480Q, E1547Q, E1455Q, E1454Q, E1471Q, E1489Q.
Identifiers: ClinVar variation 836503 (VCV000836503.9), dbSNP rs537893174, ClinGen allele CA351303631.

ClinVar aggregate classification (germline): Conflicting classifications of pathogenicity. Review status: criteria provided, conflicting classifications (1 of 4 stars). 2 submissions from 2 submitters: Uncertain significance (1); Benign (1). Last evaluated 2025-12-21.

Conditions:
Hereditary spastic paraplegia 30. Identifiers: Orphanet 101010, MedGen C5235139, MONDO:0012476.
Neuropathy, hereditary sensory, type 2C. Also called: Hereditary sensory and autonomic neuropathy type IIC; KIF1A-Related HSAN2 (HSAN2C). Identifiers: Orphanet 970, MedGen C3280168, MONDO:0013634, OMIM 614213.
Intellectual disability, autosomal dominant 9 (NESCAVS). Also called: NESCAV SYNDROME; KIF1A-Related Neurodevelopmental Disorder. Identifiers: Orphanet 662367, MedGen C5393830, MONDO:0013656, OMIM 614255.

Allele frequency attached by ClinVar (database versions not stated): TOPMed 0.00002.
gnomAD v4.1: 12 of 1,547,282 alleles (0.00078%); highest among the groups gnomAD compares: Admixed American, 0.022%; no homozygotes.

Submissions (2):

Labcorp Genetics (formerly Invitae), Labcorp
Classification: Benign for Hereditary spastic paraplegia 30; Neuropathy, hereditary sensory, type 2C; Intellectual disability, autosomal dominant 9. Last evaluated: 2025-12-21. Review status: criteria provided, single submitter. Criteria: Invitae Variant Classification Sherloc (09022015). Collection method: clinical testing. Allele origin: germline.

Mayo Clinic Laboratories, Mayo Clinic
Classification: Uncertain significance. Last evaluated: 2024-06-04. Review status: criteria provided, single submitter. Criteria: ACMG Guidelines, 2015. Collection method: clinical testing. Allele origin: germline. Observed: 1 variant allele.
Comment: BP4